The following is an entry in ClinVar:

ClinVar aggregate classification (germline): Uncertain significance (1 of 4 stars; one submission).

Conditions:
KIDINS220-related disorder. Also called: KIDINS220-related condition.

gnomAD v4.1: 2 of 1,513,580 alleles (0.00013%); highest among the groups gnomAD compares: Non-Finnish European, 0.00018%; no homozygotes.

Submission:

PreventionGenetics, part of Exact Sciences
Classification: Uncertain significance for KIDINS220-related condition. Last evaluated: 2025-10-10. Review status: criteria provided, single submitter. Criteria: ACMG Guidelines, 2015. Collection method: clinical testing. Allele origin: germline.
Comment: The KIDINS220 c.3817G>T variant is predicted to result in the amino acid substitution p.Val1273Leu. To our knowledge, this variant has not been reported in the literature. This variant is reported in 0.0% of alleles in individuals of African descent in gnomAD. At this time, the clinical significance of this variant is uncertain due to the absence of conclusive functional and genetic evidence.

NM_020738.4(KIDINS220):c.3817G>T (p.Val1273Leu)

Gene: KIDINS220 (kinase D interacting substrate 220; minus strand). Cytogenetic location: 2p25.1.
Variant type: single nucleotide variant.
Coding change: c.3817G>T on transcript NM_020738.4 (MANE Select); coding-DNA position 3817, G replaced by T.
Protein change: p.Val1273Leu; replaces valine 1273 with leucine.
Molecular consequence: missense variant. On other transcripts: non-coding transcript variant (2).
Genome position (GRCh38, 1-based): chr2:8,733,680, C>A on the plus strand (G>T on the coding strand, the complement: KIDINS220 is on the minus strand). VCF-style: chr2-8733680-C-A. GRCh37 (hg19) VCF-style: chr2-8873810-C-A.
Other names: c.3820G>T, p.Val1274Leu (NM_001348729.2); c.3763G>T, p.Val1255Leu (NM_001348731.2); c.3760G>T, p.Val1254Leu (NM_001348732.2, NM_001348738.2); c.3649G>T, p.Val1217Leu (NM_001348734.2, NM_001348739.2, NM_001348740.2); c.3646G>T, p.Val1216Leu (NM_001348735.2, NM_001348741.2, NM_001348742.2 and 1 more transcripts); c.3520G>T, p.Val1174Leu (NM_001348736.2); short protein forms V1174L, V1216L, V1273L, V1274L, V1255L, V1217L, V1254L.
Identifiers: ClinVar variation 4998900 (VCV004998900.1).